The following is an entry in ClinVar:

NM_000059.4(BRCA2):c.6104C>T (p.Thr2035Ile)

Gene: BRCA2 (BRCA2 DNA repair associated; plus strand). Cytogenetic location: 13q13.1.
Variant type: single nucleotide variant.
Coding change: c.6104C>T on transcript NM_000059.4 (MANE Select); coding-DNA position 6104, C replaced by T.
Protein change: p.Thr2035Ile; replaces threonine 2035 with isoleucine.
Molecular consequence: missense variant.
Genome position (GRCh38, 1-based): chr13:32,340,459, C>T. VCF-style: chr13-32340459-C-T. GRCh37 (hg19) VCF-style: chr13-32914596-C-T.
Other names: short protein forms T2035I.
Identifiers: ClinVar variation 834831 (VCV000834831.10), dbSNP rs2072546585, ClinGen allele CA387788105.

ClinVar aggregate classification (germline): Conflicting classifications of pathogenicity. Review status: criteria provided, conflicting classifications (1 of 4 stars). 3 submissions from 3 submitters: Uncertain significance (2); Likely benign (1). Last evaluated 2026-07-05.

Conditions:
Hereditary breast ovarian cancer syndrome. Also called: Hereditary breast and ovarian cancer; Hereditary breast and ovarian cancer syndrome (HBOC); Hereditary breast and/or ovarian cancer syndrome; Hereditary breast and ovarian cancer syndrome; Breast and ovarian cancer; BRCA1- and BRCA2-Associated Hereditary Breast and Ovarian Cancer. Identifiers: Orphanet 145, MedGen C0677776, MeSH D061325, MONDO:0003582. Disease mechanism: loss of function.
Hereditary cancer-predisposing syndrome. Also called: Tumor predisposition; Hereditary neoplastic syndrome; Neoplastic Syndromes, Hereditary; Hereditary Cancer Syndrome. Identifiers: Orphanet 140162, MedGen C0027672, MeSH D009386, MONDO:0015356.

Submissions (3):

Ambry Genetics
Classification: Uncertain significance for Hereditary cancer-predisposing syndrome. Last evaluated: 2026-07-05. Review status: criteria provided, single submitter. Criteria: Ambry Variant Classification Scheme 2023. Collection method: clinical testing. Allele origin: germline.
Comment: The p.T2035I variant (also known as c.6104C>T), located in coding exon 10 of the BRCA2 gene, results from a C to T substitution at nucleotide position 6104. The threonine at codon 2035 is replaced by isoleucine, an amino acid with similar properties. This amino acid position is conserved. In addition, this alteration is predicted to be tolerated by in silico analysis. Based on the available evidence, the clinical significance of this variant remains unclear.

Labcorp Genetics (formerly Invitae), Labcorp
Classification: Uncertain significance for Hereditary breast ovarian cancer syndrome. Last evaluated: 2023-04-12. Review status: criteria provided, single submitter. Criteria: Invitae Variant Classification Sherloc (09022015). Collection method: clinical testing. Allele origin: germline.
Comment: Advanced modeling of protein sequence and biophysical properties (such as structural, functional, and spatial information, amino acid conservation, physicochemical variation, residue mobility, and thermodynamic stability) performed at Invitae indicates that this missense variant is not expected to disrupt BRCA2 protein function. In summary, the available evidence is currently insufficient to determine the role of this variant in disease. Therefore, it has been classified as a Variant of Uncertain Significance. ClinVar contains an entry for this variant (Variation ID: 834831). This variant has not been reported in the literature in individuals affected with BRCA2-related conditions. This variant is not present in population databases (gnomAD no frequency). This sequence change replaces threonine, which is neutral and polar, with isoleucine, which is neutral and non-polar, at codon 2035 of the BRCA2 protein (p.Thr2035Ile).

University of Washington Department of Laboratory Medicine, University of Washington
Classification: Likely benign for Hereditary cancer-predisposing syndrome. Last evaluated: 2023-03-23. Review status: criteria provided, single submitter. Criteria: Dines et al. (Genet Med. 2020). Collection method: curation. Allele origin: germline.
Comment: Missense variant in a coldspot region where missense variants are very unlikely to be pathogenic (PMID:31911673).

BRCA2 exon 11 coldspot. Reclassification based on statistical prior probability.